The following is an entry in ClinVar:

NM_000492.4(CFTR):c.1766+3A>C

Gene: CFTR (CF transmembrane conductance regulator; plus strand). Cytogenetic location: 7q31.2.
Variant type: single nucleotide variant.
Coding change: c.1766+3A>C on transcript NM_000492.4 (MANE Select); 3 bases into the intron after coding-DNA position 1766, A replaced by C.
Molecular consequence: intron variant.
Genome position (GRCh38, 1-based): chr7:117,590,442, A>C. VCF-style: chr7-117590442-A-C. GRCh37 (hg19) VCF-style: chr7-117230496-A-C.
Identifiers: ClinVar variation 53378 (VCV000053378.13), dbSNP rs397508298, ClinGen allele CA326661.

ClinVar aggregate classification (germline): Pathogenic. Review status: criteria provided, multiple submitters, no conflicts (2 of 4 stars). 8 submissions from 8 submitters: Pathogenic (8). Last evaluated 2026-07-07.

Conditions:
CFTR-related disorder (CFTR-RD). Also called: CFTR-related condition; CFTR-related disorders. Identifiers: MedGen C5924204, MONDO:7770004.
Hereditary pancreatitis (PCTT). Also called: PRSS1-Related Hereditary Pancreatitis; Hereditary chronic pancreatitis. Identifiers: Orphanet 676, MedGen C0238339, MONDO:0008185, OMIM 167800.
Cystic fibrosis (CF). Also called: MUCOVISCIDOSIS. Identifiers: Orphanet 586, MedGen C0010674, MONDO:0009061, OMIM 219700. Disease mechanism: loss of function.

gnomAD v4.1: 1 of 1,599,550 alleles (0.000063%); no homozygotes.

Submissions (8):

Institute of Human Genetics, University of Leipzig Medical Center
Classification: Pathogenic for Hereditary pancreatitis. Last evaluated: 2026-07-07. Review status: criteria provided, single submitter. Criteria: ACMG Guidelines, 2015. Collection method: clinical testing. Allele origin: unknown. Inheritance: Autosomal recessive inheritance. Affected: yes.
Comment: Criteria applied: PVS1(RNA)_STR,PM2,PM3,PS1

3billion
Classification: Pathogenic for Cystic fibrosis. Last evaluated: 2025-02-17. Review status: criteria provided, single submitter. Criteria: ACMG Guidelines, 2015. Collection method: clinical testing. Allele origin: germline. Affected: yes.
Comment: The variant is observed at an extremely low frequency in the gnomAD v4.1.0 dataset (total allele frequency: <0.001%). Predicted Consequence/Location: Intron variant: previously reported to result in an inframe deletion (PMID: 22362925) In silico tools predict the variant to alter splicing and produce an abnormal transcript [SpliceAI: 0.80 (>=0.2, moderate evidence for spliceogenicity)]. Intron variant: previously reported to result in an inframe deletion (PMID: 22362925) Therefore, this variant is classified as Pathogenic according to the recommendation of ACMG/AMP guideline.

Natera, Inc.
Classification: Pathogenic for CFTR-related disorders. Last evaluated: 2025-01-10. Review status: criteria provided, single submitter. Criteria: Natera Variant Classification Schema (03/2026). Collection method: clinical testing. Allele origin: germline.
Comment: The c.1766+3A>C variant in CFTR is an intronic variant located outside the canonical splice sites. This variant is rare in the general population with a frequency below the threshold expected for the associated phenotype(s). Functional studies show that this variant may disrupt protein function (PMID: 22362925). Computational prediction algorithms indicate this variant is likely to affect gene or protein function. Given the available evidence, this variant is classified as Pathogenic.

Women's Health and Genetics/Laboratory Corporation of America, LabCorp
Classification: Pathogenic for Cystic fibrosis. Last evaluated: 2024-10-03. Review status: criteria provided, single submitter. Criteria: LabCorp Variant Classification Summary - May 2015. Collection method: clinical testing. Allele origin: germline.
Comment: Variant summary: CFTR c.1766+3A>C, also reported as c.1898+3A>C, alters a conserved nucleotide located close to a canonical splice site and therefore could affect mRNA splicing, leading to a significantly altered protein sequence. Several computational tools predict a significant impact on normal splicing: One predicts the variant abolishes a 5' splicing donor site. Two predict the variant weakens a 5' donor site. At least one publication reports experimental evidence that this variant affects mRNA splicing in an in vitro minigene assay in a eukaryotic cell line, demonstrating near total in frame skipping of exon 13 [exon "12" by alternate nomenclature] (example, Fernandez Alanis_2012). The skipped in frame exon contains a known Pathogenic variant, p.Pro574His, and its loss in the transcript is therefore predicted to be deleterious. The variant was absent in 249012 control chromosomes. c.1766+3A>C has been reported in the simple heterozygous [2nd allele not specified], presumed compound heterozygous, or homozygous state in the literature and CFTR-France database in multiple individuals affected with Cystic Fibrosis or congenital bilateral absence of the vas deferens (example, Kinnunen_2005, Mercier_1995, Naguib_2007, Trujillano_2013, CFTR-France). These data indicate that the variant is likely to be associated with disease. The following publications have been ascertained in the context of this evaluation (PMID: 22362925, 16051530, 7581406, 16837250, 23687349). ClinVar contains an entry for this variant (Variation ID: 53378). Based on the evidence outlined above, the variant was classified as pathogenic.

Labcorp Genetics (formerly Invitae), Labcorp
Classification: Pathogenic for Cystic fibrosis. Last evaluated: 2024-01-04. Review status: criteria provided, single submitter. Criteria: Invitae Variant Classification Sherloc (09022015). Collection method: clinical testing. Allele origin: germline.
Comment: This sequence change falls in intron 13 of the CFTR gene. It does not directly change the encoded amino acid sequence of the CFTR protein. RNA analysis indicates that this variant induces altered splicing and likely results in a shortened protein product. This variant is not present in population databases (gnomAD no frequency). This variant has been observed in individual(s) with clinical features of CFTR-related conditions (PMID: 7581406, 16051530). This variant is also known as 1898+3 A>C. ClinVar contains an entry for this variant (Variation ID: 53378). Variants that disrupt the consensus splice site are a relatively common cause of aberrant splicing (PMID: 17576681, 9536098). Studies have shown that this variant results in skipping of exon 13, but is expected to preserve the integrity of the reading-frame (PMID: 22362925). This variant disrupts a region of the CFTR protein in which other variant(s) (p.Asp579Gly) have been determined to be pathogenic (PMID: 7544319, 15463898, 26494713, 27738188, 27812499). This suggests that this is a clinically significant region of the protein, and that variants that disrupt it are likely to be disease-causing. For these reasons, this variant has been classified as Pathogenic.

Blueprint Genetics
Classification: Pathogenic for CFTR-related disorders. Last evaluated: 2023-01-16. Review status: criteria provided, single submitter. Criteria: ACMG Guidelines, 2015. Collection method: clinical testing. Allele origin: germline. Affected: yes. Observed: 1 variant allele.

Mendelics
Classification: Pathogenic for Cystic fibrosis. Last evaluated: 2018-11-05. Review status: criteria provided, single submitter. Criteria: Mendelics Assertion Criteria 2017. Collection method: clinical testing. Allele origin: unknown. Affected: yes.

CFTR-France
Classification: Pathogenic for cystic fibrosis. Last evaluated: 2018-01-29. Review status: criteria provided, single submitter. Criteria: Claustres M et al. (Hum Mutat 2017). Collection method: curation. Allele origin: germline. Affected: yes.

Literature cited by the submitters: PubMed 16837250 (cited by 3billion and Women's Health and Genetics/Laboratory Corporation of America, LabCorp); PubMed 7581406 (cited by 3 submitters); PubMed 22362925 (cited by 3 submitters); PubMed 16051530 (cited by Women's Health and Genetics/Laboratory Corporation of America, LabCorp and Labcorp Genetics (formerly Invitae), Labcorp); PubMed 23687349 (cited by Women's Health and Genetics/Laboratory Corporation of America, LabCorp); PubMed 17576681 (cited by Labcorp Genetics (formerly Invitae), Labcorp); PubMed 9536098 (cited by Labcorp Genetics (formerly Invitae), Labcorp); PubMed 7544319 (cited by Labcorp Genetics (formerly Invitae), Labcorp); PubMed 15463898 (cited by Labcorp Genetics (formerly Invitae), Labcorp); PubMed 26494713 (cited by Labcorp Genetics (formerly Invitae), Labcorp); PubMed 27738188 (cited by Labcorp Genetics (formerly Invitae), Labcorp); PubMed 27812499 (cited by Labcorp Genetics (formerly Invitae), Labcorp).